The following is an entry in ClinVar:

NM_020297.4(ABCC9):c.1758C>G (p.Phe586Leu)

Gene: ABCC9 (ATP binding cassette subfamily C member 9; minus strand). Cytogenetic location: 12p12.1.
Variant type: single nucleotide variant.
Coding change: c.1758C>G on transcript NM_020297.4 (MANE Select); coding-DNA position 1758, C replaced by G.
Protein change: p.Phe586Leu; replaces phenylalanine 586 with leucine.
Molecular consequence: missense variant.
Genome position (GRCh38, 1-based): chr12:21,894,076, G>C on the plus strand (C>G on the coding strand, the complement: ABCC9 is on the minus strand). VCF-style: chr12-21894076-G-C. GRCh37 (hg19) VCF-style: chr12-22047010-G-C.
Other names: c.1758C>G, p.Phe586Leu (NM_001377273.1, NM_005691.4); c.894C>G, p.Phe298Leu (NM_001377274.1); short protein forms F298L, F586L.
Identifiers: ClinVar variation 3991681 (VCV003991681.1).

ClinVar aggregate classification (germline): Uncertain significance (1 of 4 stars; one submission).

Conditions:
Cardiovascular phenotype. Identifiers: MedGen CN230736.

Submission:

Ambry Genetics
Classification: Uncertain significance for Cardiovascular phenotype. Last evaluated: 2025-05-22. Review status: criteria provided, single submitter. Criteria: Ambry Variant Classification Scheme 2023. Collection method: clinical testing. Allele origin: germline.
Comment: The p.F586L variant (also known as c.1758C>G), located in coding exon 12 of the ABCC9 gene, results from a C to G substitution at nucleotide position 1758. The phenylalanine at codon 586 is replaced by leucine, an amino acid with highly similar properties. This amino acid position is highly conserved in available vertebrate species. In addition, this alteration is predicted to be deleterious by in silico analysis. Based on the available evidence, the clinical significance of this variant remains unclear.